The following is an entry in ClinVar:

NM_001848.3(COL6A1):c.268G>A (p.Ala90Thr)

Gene: COL6A1 (collagen type VI alpha 1 chain; plus strand). Cytogenetic location: 21q22.3.
Variant type: single nucleotide variant.
Coding change: c.268G>A on transcript NM_001848.3 (MANE Select); coding-DNA position 268, G replaced by A.
Protein change: p.Ala90Thr; replaces alanine 90 with threonine.
Molecular consequence: missense variant.
Genome position (GRCh38, 1-based): chr21:45,984,309, G>A. VCF-style: chr21-45984309-G-A. GRCh37 (hg19) VCF-style: chr21-47404223-G-A.
Other names: short protein forms A90T.
Identifiers: ClinVar variation 2832119 (VCV002832119.5), dbSNP rs201322581, ClinGen allele CA10069512.

ClinVar aggregate classification (germline): Conflicting classifications of pathogenicity. Review status: criteria provided, conflicting classifications (1 of 4 stars). 3 submissions from 3 submitters: Uncertain significance (2); Benign (1). Last evaluated 2025-03-06.

Conditions:
Inborn genetic diseases. Identifiers: MedGen C0950123, MeSH D030342.
Bethlem myopathy 1A. Also called: Bethlem myopathy 1; MYOPATHY, BENIGN CONGENITAL, WITH CONTRACTURES; Bethlem Muscular Dystrophy. Identifiers: Orphanet 610, MedGen CN029274, MONDO:0024530, OMIM 158810.
Ullrich congenital muscular dystrophy 1A. Also called: Ullrich congenital muscular dystrophy 1; Intermediate COL6-RD. Identifiers: Orphanet 75840, MedGen C0410179, MONDO:0009681, OMIM 254090.

Allele frequency attached by ClinVar (database versions not stated): gnomAD 0.00003; TOPMed 0.00003; ExAC 0.00007; gnomAD exomes 0.00008.
gnomAD v4.1: 117 of 1,611,412 alleles (0.0073%); highest among the groups gnomAD compares: East Asian, 0.0089%; no homozygotes.

Submissions (3):

Institute of Human Genetics, University of Leipzig Medical Center
Classification: Uncertain significance for Ullrich congenital muscular dystrophy 1A. Last evaluated: 2025-03-06. Review status: criteria provided, single submitter. Criteria: ACMG Guidelines, 2015. Collection method: clinical testing. Allele origin: unknown. Inheritance: Autosomal recessive inheritance. Affected: yes.
Comment: Criteria applied: PM2,PM3_SUP

Ambry Genetics
Classification: Uncertain significance for Inborn genetic diseases. Last evaluated: 2023-09-26. Review status: criteria provided, single submitter. Criteria: Ambry Variant Classification Scheme 2023. Collection method: clinical testing. Allele origin: germline.

Labcorp Genetics (formerly Invitae), Labcorp
Classification: Benign for Bethlem myopathy 1A. Last evaluated: 2023-03-08. Review status: criteria provided, single submitter. Criteria: Invitae Variant Classification Sherloc (09022015). Collection method: clinical testing. Allele origin: germline.